The following is an entry in ClinVar:

ClinVar aggregate classification (germline): Uncertain significance (1 of 4 stars; one submission).

gnomAD v4.1: 3 of 1,613,662 alleles (0.00019%); highest among the groups gnomAD compares: South Asian, 0.0022%; no homozygotes.

Submission:

Dasa
Classification: Uncertain significance. Last evaluated: 2024-08-27. Review status: criteria provided, single submitter. Criteria: DASA Assertion Criteria. Collection method: clinical testing. Allele origin: germline.
Comment: NM_022552.5(DNMT3A):c.307G>A (p.Glu103Lys) is a missense variant that results in the substitution of glutamic acid with lysine. This variant is rare in population databases. Computational prediction algorithms are consistent with a benign effect. The currently available literature and clinical evidence are not sufficient to establish a definitive association between this variant and the reported condition. Therefore, this variant is classified as a variant of uncertain significance.

NM_022552.5(DNMT3A):c.307G>A (p.Glu103Lys)

Gene: DNMT3A (DNA methyltransferase 3 alpha; minus strand). Cytogenetic location: 2p23.3.
Variant type: single nucleotide variant.
Coding change: c.307G>A on transcript NM_022552.5 (MANE Select); coding-DNA position 307, G replaced by A.
Protein change: p.Glu103Lys; replaces glutamic acid 103 with lysine.
Molecular consequence: missense variant. On other transcripts: non-coding transcript variant (1).
Genome position (GRCh38, 1-based): chr2:25,282,582, C>T on the plus strand (G>A on the coding strand, the complement: DNMT3A is on the minus strand). VCF-style: chr2-25282582-C-T. GRCh37 (hg19) VCF-style: chr2-25505451-C-T.
Other names: c.307G>A, p.Glu103Lys (NM_001320892.2, NM_175629.2, NM_175630.1); short protein forms E103K.
Identifiers: ClinVar variation 4881877 (VCV004881877.2).